The following is an entry in ClinVar:

NR_033294.2(SNORD118):n.92C>G

Genes: SNORD118 (small nucleolar RNA, C/D box 118; minus strand), TMEM107 (transmembrane protein 107; minus strand). Cytogenetic location: 17p13.1.
Variant type: single nucleotide variant.
Molecular consequence: non-coding transcript variant (on NR_033294.2). On other transcripts: 3 prime UTR variant (5).
Genome position: GRCh38 VCF-style: chr17-8173497-G-C. GRCh37 (hg19) VCF-style: chr17-8076815-G-C.
Other names: c.*706C>G (NM_001351278.2, NM_001351279.2, NM_001351280.2 and 2 more transcripts).
Identifiers: ClinVar variation 1041602 (VCV001041602.5), dbSNP rs74861860, ClinGen allele CA8370646.

ClinVar aggregate classification (germline): Uncertain significance (1 of 4 stars; one submission).

gnomAD v4.1: 151 of 765,266 alleles (0.02%); highest among the groups gnomAD compares: Admixed American, 0.11%; no homozygotes.

Submission:

Labcorp Genetics (formerly Invitae), Labcorp
Classification: Uncertain significance. Last evaluated: 2024-12-02. Review status: criteria provided, single submitter. Criteria: Invitae Variant Classification Sherloc (09022015). Collection method: clinical testing. Allele origin: germline.
Comment: This variant occurs in the SNORD118 gene, which encodes an RNA molecule that does not result in a protein product. This variant is present in population databases (rs74861860, gnomAD 0.09%). This variant has not been reported in the literature in individuals affected with SNORD118-related conditions. ClinVar contains an entry for this variant (Variation ID: 1041602). Experimental studies and prediction algorithms are not available or were not evaluated, and the functional significance of this variant is currently unknown. In summary, the available evidence is currently insufficient to determine the role of this variant in disease. Therefore, it has been classified as a Variant of Uncertain Significance.